The following is an entry in ClinVar:

NM_014112.5(TRPS1):c.1670G>T (p.Gly557Val)

Gene: TRPS1 (transcriptional repressor GATA binding 1; minus strand). Cytogenetic location: 8q23.3.
Variant type: single nucleotide variant.
Coding change: c.1670G>T on transcript NM_014112.5 (MANE Select); coding-DNA position 1670, G replaced by T.
Protein change: p.Gly557Val; replaces glycine 557 with valine.
Molecular consequence: missense variant.
Genome position (GRCh38, 1-based): chr8:115,604,299, C>A on the plus strand (G>T on the coding strand, the complement: TRPS1 is on the minus strand). VCF-style: chr8-115604299-C-A. GRCh37 (hg19) VCF-style: chr8-116616526-C-A.
Other names: c.1643G>T, p.Gly548Val (NM_001282902.3); c.1649G>T, p.Gly550Val (NM_001282903.3); c.1631G>T, p.Gly544Val (NM_001330599.2); c.1670G>T (NM_014112.2); short protein forms G548V, G557V, G544V, G550V.
Identifiers: ClinVar variation 4783309 (VCV004783309.2).

ClinVar aggregate classification (germline): Uncertain significance. Review status: criteria provided, multiple submitters, no conflicts (2 of 4 stars). 2 submissions from 2 submitters: Uncertain significance (2). Last evaluated 2026-03-27.

Conditions:
Trichorhinophalangeal dysplasia type I (TRPS1). Also called: TRICHORHINOPHALANGEAL SYNDROME, TYPE I; TRPS I. Identifiers: Orphanet 77258, MedGen C0432233, MONDO:0008596, OMIM 190350.
Trichorhinophalangeal syndrome, type III (TRPS3). Also called: SUGIO-KAJII SYNDROME. Identifiers: Orphanet 77258, MedGen C1860823, OMIM 190351, MONDO:0008597.
Inborn genetic diseases. Identifiers: MedGen C0950123, MeSH D030342.

Submissions (2):

Ambry Genetics
Classification: Uncertain significance for Inborn genetic diseases. Last evaluated: 2026-03-27. Review status: criteria provided, single submitter. Criteria: Ambry Variant Classification Scheme 2023. Collection method: clinical testing. Allele origin: germline.

Labcorp Genetics (formerly Invitae), Labcorp
Classification: Uncertain significance for Trichorhinophalangeal syndrome, type III; Trichorhinophalangeal dysplasia type I. Last evaluated: 2025-02-26. Review status: criteria provided, single submitter. Criteria: Invitae Variant Classification Sherloc (09022015). Collection method: clinical testing. Allele origin: germline.
Comment: This sequence change replaces glycine, which is neutral and non-polar, with valine, which is neutral and non-polar, at codon 557 of the TRPS1 protein (p.Gly557Val). This variant is not present in population databases (gnomAD no frequency). This variant has not been reported in the literature in individuals affected with TRPS1-related conditions. Invitae Evidence Modeling of protein sequence and biophysical properties (such as structural, functional, and spatial information, amino acid conservation, physicochemical variation, residue mobility, and thermodynamic stability) has been performed for this missense variant. However, the output from this modeling did not meet the statistical confidence thresholds required to predict the impact of this variant on TRPS1 protein function. In summary, the available evidence is currently insufficient to determine the role of this variant in disease. Therefore, it has been classified as a Variant of Uncertain Significance.